The following is an entry in ClinVar:

ClinVar aggregate classification (germline): Uncertain significance (1 of 4 stars; one submission).

Conditions:
Hereditary nonpolyposis colorectal neoplasms. Identifiers: MedGen C0009405, MeSH D003123.

Submission:

Labcorp Genetics (formerly Invitae), Labcorp
Classification: Uncertain significance for Hereditary nonpolyposis colorectal neoplasms. Last evaluated: 2023-12-19. Review status: criteria provided, single submitter. Criteria: Invitae Variant Classification Sherloc (09022015). Collection method: clinical testing. Allele origin: germline.
Comment: This sequence change falls in intron 5 of the MSH6 gene. It does not directly change the encoded amino acid sequence of the MSH6 protein. Information on the frequency of this variant in the gnomAD database is not available, as this variant may be reported differently in the database. This variant has not been reported in the literature in individuals affected with MSH6-related conditions. Experimental studies and prediction algorithms are not available or were not evaluated, and the effect of this variant on mRNA splicing is currently unknown. In summary, the available evidence is currently insufficient to determine the role of this variant in disease. Therefore, it has been classified as a Variant of Uncertain Significance.

NM_000179.3(MSH6):c.3439-14_3439-13inv

Gene: MSH6 (mutS homolog 6; plus strand). Cytogenetic location: 2p16.3.
Variant type: Inversion.
Coding change: c.3439-14_3439-13inv on transcript NM_000179.3 (MANE Select).
Molecular consequence: intron variant.
Genome position: GRCh38 VCF-style: chr2-47804896-TC-GA. GRCh37 (hg19) VCF-style: chr2-48032035-TC-GA.
Other names: c.3439-14_3439-13inv (NM_001406809.1, NM_001406796.1, NM_001406808.1 and 1 more transcripts); c.2533-14_2533-13inv (NM_001406811.1, NM_001406814.1, NM_001281493.2 and 6 more transcripts); c.3142-14_3142-13inv (NM_001406805.1, NM_001406797.1, NM_001406801.1 and 10 more transcripts); c.3535-14_3535-13inv (NM_001406795.1, NM_001406802.1); c.3445-14_3445-13inv (NM_001406813.1); c.2914-14_2914-13inv (NM_001406807.1, NM_001406799.1, NM_001406806.1); c.3265-14_3265-13inv (NM_001406798.1); c.2575-14_2575-13inv (NM_001406803.1); and 7 more.
Identifiers: ClinVar variation 2704059 (VCV002704059.3), ClinGen allele CA2697548061.